The following is an entry in ClinVar:

ClinVar aggregate classification (germline): Uncertain significance (1 of 4 stars; one submission).

Conditions:
Congenital hypogonadotropic hypogonadism. Identifiers: Orphanet 174590, MedGen C3899503, MONDO:0015770.

gnomAD v4.1: 16 of 1,613,438 alleles (0.00099%); highest among the groups gnomAD compares: East Asian, 0.0089%; no homozygotes.

Submission:

Department of Pediatrics, Asan Medical Center, University of Ulsan College of Medicine
Classification: Uncertain significance for Congenital hypogonadotropic hypogonadism. Last evaluated: 2026-07-19. Review status: criteria provided, single submitter. Criteria: ACMG Guidelines, 2015. Collection method: research. Allele origin: germline. Inheritance: Autosomal dominant inheritance. Affected: yes. Observed: 1 heterozygote.
Comment: ACMG/AMP evidence codes: PM2_Supporting, BP4. In silico predictions: CADD 1.8, PolyPhen-2 benign, SIFT tolerated, REVEL 0.027, MutationTaster polymorphism. gnomAD MAF (East Asian): 8.911e-05. Novel variant.

NM_001374353.1(GLI2):c.4247C>T (p.Pro1416Leu)

Gene: GLI2 (GLI family zinc finger 2; plus strand). Cytogenetic location: 2q14.2.
Variant type: single nucleotide variant.
Coding change: c.4247C>T on transcript NM_001374353.1 (MANE Select); coding-DNA position 4247, C replaced by T.
Protein change: p.Pro1416Leu; replaces proline 1416 with leucine.
Molecular consequence: missense variant.
Genome position (GRCh38, 1-based): chr2:120,990,212, C>T. VCF-style: chr2-120990212-C-T. GRCh37 (hg19) VCF-style: chr2-121747788-C-T.
Other names: c.4298C>T, p.Pro1433Leu (NM_001371271.1, NM_005270.5); c.3872C>T, p.Pro1291Leu (NM_001374354.1); short protein forms P1291L, P1416L, P1433L.
Identifiers: ClinVar variation 4879454 (VCV004879454.1).